The following is an entry in ClinVar:

ClinVar aggregate classification (germline): Uncertain significance (1 of 4 stars; one submission).

Submission:

Labcorp Genetics (formerly Invitae), Labcorp
Classification: Uncertain significance. Last evaluated: 2023-10-20. Review status: criteria provided, single submitter. Criteria: Invitae Variant Classification Sherloc (09022015). Collection method: clinical testing. Allele origin: germline.
Comment: This sequence change replaces serine, which is neutral and polar, with cysteine, which is neutral and slightly polar, at codon 323 of the CTNNA1 protein (p.Ser323Cys). This variant is not present in population databases (gnomAD no frequency). This variant has not been reported in the literature in individuals affected with CTNNA1-related conditions. ClinVar contains an entry for this variant (Variation ID: 1502528). Advanced modeling of protein sequence and biophysical properties (such as structural, functional, and spatial information, amino acid conservation, physicochemical variation, residue mobility, and thermodynamic stability) performed at Invitae indicates that this missense variant is expected to disrupt CTNNA1 protein function with a positive predictive value of 80%. In summary, the available evidence is currently insufficient to determine the role of this variant in disease. Therefore, it has been classified as a Variant of Uncertain Significance.

NM_001903.5(CTNNA1):c.968C>G (p.Ser323Cys)

Gene: CTNNA1 (catenin alpha 1; plus strand). Cytogenetic location: 5q31.2.
Variant type: single nucleotide variant.
Coding change: c.968C>G on transcript NM_001903.5 (MANE Select); coding-DNA position 968, C replaced by G.
Protein change: p.Ser323Cys; replaces serine 323 with cysteine.
Molecular consequence: missense variant.
Genome position (GRCh38, 1-based): chr5:138,827,624, C>G. VCF-style: chr5-138827624-C-G. GRCh37 (hg19) VCF-style: chr5-138163313-C-G.
Other names: c.968C>G, p.Ser323Cys (NM_001290307.3, NM_001323982.2, NM_001323983.1 and 3 more transcripts); c.659C>G, p.Ser220Cys (NM_001290309.3); c.599C>G, p.Ser200Cys (NM_001290310.3); short protein forms S200C, S220C, S323C.
Identifiers: ClinVar variation 1502528 (VCV001502528.8), dbSNP rs1760852457, ClinGen allele CA361131013.